The following is an entry in ClinVar:

ClinVar aggregate classification (germline): Uncertain significance (1 of 4 stars; one submission).

Submission:

Women's Health and Genetics/Laboratory Corporation of America, LabCorp
Classification: Uncertain significance. Last evaluated: 2026-04-01. Review status: criteria provided, single submitter. Criteria: LabCorp Variant Classification Summary - May 2015. Collection method: clinical testing. Allele origin: germline.
Comment: Variant summary: KCNJ11 c.60C>G (p.Asp20Glu) results in a conservative amino acid change in the encoded protein sequence. Algorithms developed to predict the effect of missense changes on protein structure and function are either unavailable or do not agree on the potential impact of this missense change. The variant was absent in 250412 control chromosomes. The available data on variant occurrences in the general population are insufficient to allow any conclusion about variant significance. To our knowledge, no occurrence of c.60C>G in individuals affected with KCNJ11-related conditions and no experimental evidence demonstrating its impact on protein function have been reported. No submitters have cited clinical-significance assessments for this variant to ClinVar. Based on the evidence outlined above, the variant was classified as uncertain significance.

NM_000525.4(KCNJ11):c.60C>G (p.Asp20Glu)

Gene: KCNJ11 (potassium inwardly rectifying channel subfamily J member 11; minus strand). Cytogenetic location: 11p15.1.
Variant type: single nucleotide variant.
Coding change: c.60C>G on transcript NM_000525.4 (MANE Select); coding-DNA position 60, C replaced by G.
Protein change: p.Asp20Glu; replaces aspartic acid 20 with glutamic acid.
Molecular consequence: missense variant. On other transcripts: 5 prime UTR variant (1), intron variant (2).
Genome position (GRCh38, 1-based): chr11:17,388,032, G>C on the plus strand (C>G on the coding strand, the complement: KCNJ11 is on the minus strand). VCF-style: chr11-17388032-G-C. GRCh37 (hg19) VCF-style: chr11-17409579-G-C.
Other names: c.-31C>G (NM_001377296.1); c.-16-186C>G (NM_001166290.2, NM_001377297.1); short protein forms D20E.
Identifiers: ClinVar variation 4848975 (VCV004848975.1).